The following is an entry in ClinVar:

ClinVar aggregate classification (germline): Uncertain significance (1 of 4 stars; one submission).

Submission:

Labcorp Genetics (formerly Invitae), Labcorp
Classification: Uncertain significance. Last evaluated: 2020-11-24. Review status: criteria provided, single submitter. Criteria: Invitae Variant Classification Sherloc (09022015). Collection method: clinical testing. Allele origin: germline.
Comment: This variant has not been reported in the literature in individuals with PAX1-related conditions. In summary, the available evidence is currently insufficient to determine the role of this variant in disease. Therefore, it has been classified as a Variant of Uncertain Significance. Algorithms developed to predict the effect of missense changes on protein structure and function output the following: SIFT: "Tolerated"; PolyPhen-2: "Benign"; Align-GVGD: "Class C0". The alanine amino acid residue is found in multiple mammalian species, suggesting that this missense change does not adversely affect protein function. These predictions have not been confirmed by published functional studies and their clinical significance is uncertain. The frequency data for this variant in the population databases is considered unreliable, as metrics indicate insufficient coverage at this position in the ExAC database. This sequence change replaces glycine with alanine at codon 18 of the PAX1 protein (p.Gly18Ala). The glycine residue is weakly conserved and there is a small physicochemical difference between glycine and alanine.

NM_001257096.2(PAX1):c.53G>C (p.Gly18Ala)

Gene: PAX1 (paired box 1; plus strand). Cytogenetic location: 20p11.22.
Variant type: single nucleotide variant.
Coding change: c.53G>C on transcript NM_001257096.2 (MANE Select); coding-DNA position 53, G replaced by C.
Protein change: p.Gly18Ala; replaces glycine 18 with alanine.
Molecular consequence: missense variant.
Genome position (GRCh38, 1-based): chr20:21,705,765, G>C. VCF-style: chr20-21705765-G-C. GRCh37 (hg19) VCF-style: chr20-21686403-G-C.
Other names: c.53G>C, p.Gly18Ala (NM_006192.5); short protein forms G18A.
Identifiers: ClinVar variation 1425417 (VCV001425417.8), dbSNP rs1984955809, ClinGen allele CA408496772.